The following is an entry in ClinVar:

NM_000059.4(BRCA2):c.5279C>G (p.Ser1760Ter)

Gene: BRCA2 (BRCA2 DNA repair associated; plus strand). Cytogenetic location: 13q13.1.
Variant type: single nucleotide variant.
Coding change: c.5279C>G on transcript NM_000059.4 (MANE Select); coding-DNA position 5279, C replaced by G.
Protein change: p.Ser1760Ter; replaces serine 1760 with a stop codon.
Molecular consequence: nonsense.
Genome position (GRCh38, 1-based): chr13:32,339,634, C>G. VCF-style: chr13-32339634-C-G. GRCh37 (hg19) VCF-style: chr13-32913771-C-G.
Other names: 5507C>G; short protein forms S1760*.
Identifiers: ClinVar variation 51833 (VCV000051833.28), dbSNP rs80358751, ClinGen allele CA021930.

ClinVar aggregate classification (germline): Pathogenic. Review status: reviewed by expert panel (3 of 4 stars). 15 submissions from 15 submitters: Pathogenic (1). 14 of the submissions do not count toward it. Last evaluated 2016-04-22.

Conditions:
Hereditary breast ovarian cancer syndrome. Also called: Hereditary breast and ovarian cancer syndrome; Hereditary breast and ovarian cancer; Hereditary breast and ovarian cancer syndrome (HBOC); Breast and ovarian cancer; Hereditary breast and/or ovarian cancer syndrome; BRCA1- and BRCA2-Associated Hereditary Breast and Ovarian Cancer. Identifiers: Orphanet 145, MedGen C0677776, MeSH D061325, MONDO:0003582. Disease mechanism: loss of function.
Hereditary cancer-predisposing syndrome. Also called: Neoplastic Syndromes, Hereditary; Tumor predisposition; Hereditary neoplastic syndrome; Hereditary Cancer Syndrome. Identifiers: Orphanet 140162, MedGen C0027672, MeSH D009386, MONDO:0015356.
Familial cancer of breast. Also called: BREAST CANCER, FAMILIAL; Hereditary breast cancer; hereditary breast carcinoma. Identifiers: Orphanet 227535, MedGen C0346153, MONDO:0016419, OMIM 114480. Disease mechanism: loss of function.
Inherited breast cancer and ovarian cancer.
Breast-ovarian cancer, familial, susceptibility to, 2 (BROVCA2). Also called: BRCA2 Hereditary Breast and Ovarian Cancer. Identifiers: Orphanet 145, MedGen C2675520, MONDO:0012933, OMIM 612555. Disease mechanism: loss of function.

Allele frequency attached by ClinVar (database versions not stated): gnomAD exomes below 0.00001.
gnomAD v4.1: 6 of 1,612,070 alleles (0.00037%); highest among the groups gnomAD compares: Non-Finnish European, 0.00042%; no homozygotes.

Submissions (15):

Evidence-based Network for the Interpretation of Germline Mutant Alleles (ENIGMA)
Classification: Pathogenic for Breast-ovarian cancer, familial, susceptibility to, 2. Last evaluated: 2016-04-22. Review status: reviewed by expert panel. Criteria: ENIGMA BRCA1/2 Classification Criteria (2015). Collection method: curation. Allele origin: germline.
Comment: Variant allele predicted to encode a truncated non-functional protein.

Labcorp Genetics (formerly Invitae), Labcorp
Classification: Pathogenic for Hereditary breast ovarian cancer syndrome. Last evaluated: 2025-09-24. Review status: criteria provided, single submitter. Criteria: Invitae Variant Classification Sherloc (09022015). Collection method: clinical testing. Allele origin: germline. Not counted in ClinVar's aggregate classification.
Comment: This sequence change creates a premature translational stop signal (p.Ser1760*) in the BRCA2 gene. It is expected to result in an absent or disrupted protein product. Loss-of-function variants in BRCA2 are known to be pathogenic (PMID: 20104584). This variant is not present in population databases (gnomAD no frequency). This premature translational stop signal has been observed in individual(s) with breast cancer (PMID: 21895635). This variant is also known as 5507C>G. ClinVar contains an entry for this variant (Variation ID: 51833). For these reasons, this variant has been classified as Pathogenic.

Cambridge Genomics Laboratory, East Genomic Laboratory Hub, NHS Genomic Medicine Service
Classification: Pathogenic for Inherited breast cancer and ovarian cancer. Last evaluated: 2025-09-15. Review status: criteria provided, single submitter. Criteria: ACGS Best Practice Guidelines for Variant Classification in Rare Disease 2020. Collection method: clinical testing. Allele origin: germline. Affected: yes. Not counted in ClinVar's aggregate classification.
Comment: PVS1,PM2_Supporting,PM5_Strong

Color Diagnostics, LLC DBA Color Health
Classification: Pathogenic for Hereditary cancer-predisposing syndrome. Last evaluated: 2025-09-10. Review status: criteria provided, single submitter. Criteria: ACMG Guidelines, 2015. Collection method: clinical testing. Allele origin: germline. Not counted in ClinVar's aggregate classification.
Comment: This variant changes 1 nucleotide in exon 11 of the BRCA2 gene, creating a premature translation stop signal. This variant is expected to result in an absent or non-functional protein product. This variant has been reported in individuals affected with breast cancer (PMID: 21895635, 34218100) and ovarian cancer (PMID: 30441849). This variant has been identified in 10 families among the CIMBA participants (PMID: 29446198). This variant has been detected in a breast cancer case-control meta-analysis in 1/60466 cases and 0/53461 unaffected individuals (PMID: 33471991Leiden Open Variation Database DB-ID BRCA2_003303). This variant has not been identified in the general population by the Genome Aggregation Database (gnomAD). Loss of BRCA2 function is a known mechanism of disease. Based on the available evidence, this variant is classified as Pathogenic.

Ambry Genetics
Classification: Pathogenic for Hereditary cancer-predisposing syndrome. Last evaluated: 2025-07-24. Review status: criteria provided, single submitter. Criteria: Ambry Variant Classification Scheme 2023. Collection method: clinical testing. Allele origin: germline. Not counted in ClinVar's aggregate classification.
Comment: The p.S1760* pathogenic mutation (also known as c.5279C>G), located in coding exon 10 of the BRCA2 gene, results from a C to G substitution at nucleotide position 5279. This changes the amino acid from a serine to a stop codon within coding exon 10. This variant is considered to be rare based on population cohorts in the Genome Aggregation Database (gnomAD). This alteration is expected to result in loss of function by premature protein truncation or nonsense-mediated mRNA decay. As such, this alteration is interpreted as a disease-causing mutation.

GeneKor MSA
Classification: Pathogenic for Hereditary breast ovarian cancer syndrome. Last evaluated: 2025-05-15. Review status: criteria provided, single submitter. Criteria: ACMG Guidelines, 2015. Collection method: clinical testing. Allele origin: germline. Not counted in ClinVar's aggregate classification.
Comment: This variant, located in coding exon 11 of the BRCA2 gene, is a single base substitution at nucleotide position 5279, c.(5279C>G), replacing Serine with a premature termination stop signal at codon 1760, p.(Ser1760*). This is expected to result in an absent or disrupted protein product. Truncating variants in BRCA2 are known to be pathogenic (PMID:20104584). This variant is not present in population databases (rs80358751). In international literature it is also known as 5507C>G and has been reported in individuals affected with breast cancer (PMID:21895635). ClinVar contains entries for this variant where is listed as pathogenic (VCV000051833.23). Based on the classification criteria set by the ACMG and AMP (PMID:25741868) this variant has been classified as pathogenic.

Quest Diagnostics Nichols Institute San Juan Capistrano
Classification: Pathogenic. Last evaluated: 2023-09-12. Review status: criteria provided, single submitter. Criteria: Quest Diagnostics criteria. Collection method: clinical testing. Allele origin: unknown. Not counted in ClinVar's aggregate classification.
Comment: The BRCA2 c.5279C>G (p.Ser1760*) variant alters the translational reading frame of the BRCA2 mRNA and causes the premature termination of BRCA2 protein synthesis. This variant has been reported in the published literature in affected individuals with breast and/or ovarian cancer (PMIDs: 21895635 (2012), 28888541 (2017), and 34218100 (2021)). This variant has not been reported in large, multi-ethnic general populations (Genome Aggregation Database). Based on the available information, this variant is classified as pathogenic.

Sema4
Classification: Pathogenic for Hereditary cancer-predisposing syndrome. Last evaluated: 2021-11-17. Review status: criteria provided, single submitter. Criteria: Sema4 Curation Guidelines. Collection method: curation. Allele origin: germline. Not counted in ClinVar's aggregate classification.
Comment: The BRCA2 c.5279C>G (p.S1760X) variant has been reported in heterozygosity in several individuals with breast and/or ovarian cancer (PMID: 21895635, 29446198, 30441849, 34218100, 20104584). This nonsense variant creates a premature stop codon at residue 1760 of the BRCA2 protein. At this location, the variant is predicted to cause loss of normal protein function either through protein truncation or nonsense-mediated mRNA decay. Loss of function variants in BRCA2 are known to be pathogenic (PMID: 29446198). This variant is not reported in the large and broad population database Genome Aggregation Database (PMID: 32461654), but has been reported in ClinVar (Variation ID: 51833). Based on the current evidence available, this variant is interpreted as pathogenic.

Baylor Genetics
Classification: Pathogenic for Familial cancer of breast. Last evaluated: 2021-07-05. Review status: criteria provided, single submitter. Criteria: ACMG Guidelines, 2015. Collection method: clinical testing. Allele origin: unknown. Not counted in ClinVar's aggregate classification.

Women's Health and Genetics/Laboratory Corporation of America, LabCorp
Classification: Pathogenic for Hereditary breast and ovarian cancer syndrome. Last evaluated: 2019-01-15. Review status: criteria provided, single submitter. Criteria: LabCorp Variant Classification Summary - May 2015. Collection method: clinical testing. Allele origin: germline. Not counted in ClinVar's aggregate classification.
Comment: Variant summary: BRCA2 c.5279C>G (p.Ser1760X) results in a premature termination codon, predicted to cause a truncation of the encoded protein or absence of the protein due to nonsense mediated decay, which are commonly known mechanisms for disease. The variant was absent in 245312 control chromosomes (gnomAD). c.5279C>G has been reported in the literature in multiple individuals affected with Hereditary Breast and Ovarian Cancer (Rebbeck_2018). These data indicate that the variant is very likely to be associated with disease. To our knowledge, no experimental evidence demonstrating an impact on protein function has been reported. Six ClinVar submissions from clinical diagnostic laboratories (evaluation after 2014) cite the variant as pathogenic. Based on the evidence outlined above, the variant was classified as pathogenic.

Consortium of Investigators of Modifiers of BRCA1/2 (CIMBA), c/o University of Cambridge
Classification: Pathogenic for Breast-ovarian cancer, familial, susceptibility to, 2. Last evaluated: 2015-10-02. Review status: criteria provided, single submitter. Criteria: CIMBA Mutation Classification guidelines May 2016. Collection method: clinical testing. Allele origin: germline. Not counted in ClinVar's aggregate classification.

Laboratory for Molecular Medicine, Mass General Brigham Personalized Medicine
Classification: Pathogenic for Hereditary breast ovarian cancer syndrome. Last evaluated: 2015-07-29. Review status: criteria provided, single submitter. Criteria: ACMG Guidelines, 2015. Collection method: clinical testing. Allele origin: germline. Not counted in ClinVar's aggregate classification.
Comment: The p.Ser1760X variant in BRCA2 has been reported in 2 individuals with breast cancer (Gutiérrez Espleta 2012, Breast Cancer Information Core (BIC) database), and was absent from large population studies. This nonsense variant leads to a premature termination codon at position 1760, which is predicted to lead to a truncated or absent protein. Heterozygous loss of BRCA2 function is an established disease mechanism in Hereditary breast and ovarian cancer. In summary, this variant meets our criteria to be classified as pathogenic for Hereditary breast and ovarian cancer in an autosomal dominant manner based on the predicted impact to the protein and absence in controls.

Counsyl
Classification: Pathogenic for Breast-ovarian cancer, familial, susceptibility to, 2. Last evaluated: 2016-01-24. Review status: no assertion criteria provided. Collection method: clinical testing. Allele origin: unknown. Not counted in ClinVar's aggregate classification.

Research Molecular Genetics Laboratory, Women's College Hospital, University of Toronto
Classification: Pathogenic for Hereditary breast ovarian cancer syndrome. Last evaluated: 2014-01-31. Review status: no assertion criteria provided. Collection method: research. Allele origin: germline. Affected: yes. Study: The Canadian Open Genetics Repository (COGR). Not counted in ClinVar's aggregate classification.

Breast Cancer Information Core (BIC) (BRCA2)
Classification: Pathogenic for Breast-ovarian cancer, familial 2. Last evaluated: 2001-02-16. Review status: no assertion criteria provided. Collection method: clinical testing. Allele origin: germline. Affected: yes. Observed: 1 variant allele. Not counted in ClinVar's aggregate classification.

Literature cited by the submitters: PubMed 20104584 (cited by 3 submitters); PubMed 21895635 (cited by 8 submitters); PubMed 29446198 (cited by 4 submitters); PubMed 30441849 (cited by Color Diagnostics, LLC DBA Color Health and Sema4); PubMed 33471991 (cited by Color Diagnostics, LLC DBA Color Health); PubMed 34218100 (cited by 3 submitters); PubMed 21702907 (cited by 3 submitters); PubMed 28888541 (cited by Quest Diagnostics Nichols Institute San Juan Capistrano); PubMed 20167696 (cited by Counsyl).